The following is an entry in ClinVar:

NM_001999.4(FBN2):c.4276G>A (p.Val1426Ile)

Gene: FBN2 (fibrillin 2; minus strand). Cytogenetic location: 5q23.3.
Variant type: single nucleotide variant.
Coding change: c.4276G>A on transcript NM_001999.4 (MANE Select); coding-DNA position 4276, G replaced by A.
Protein change: p.Val1426Ile; replaces valine 1426 with isoleucine.
Molecular consequence: missense variant.
Genome position (GRCh38, 1-based): chr5:128,330,642, C>T on the plus strand (G>A on the coding strand, the complement: FBN2 is on the minus strand). VCF-style: chr5-128330642-C-T. GRCh37 (hg19) VCF-style: chr5-127666334-C-T.
Other names: short protein forms V1426I.
Identifiers: ClinVar variation 1911296 (VCV001911296.6), dbSNP rs759674487, ClinGen allele CA3395015.
Genomic context (GRCh38, chr5:128,330,642, plus strand): 5'-TAAAGCCATCACCAGTGAAACCTTCGGAGCAGGCACAGCGGTATGAGCCCGGGGTATTTA[C>T]ACACTGAGCATTGATGCTACACTGGTGGGTTCCATTAGAACATTCGTCCAGATCTGCAGA-3'
Protein context (NP_001990.2, residues 1416-1436): THQCSINAQC[Val1426Ile]NTPGSYRCAC

ClinVar aggregate classification (germline): Conflicting classifications of pathogenicity. Review status: criteria provided, conflicting classifications (1 of 4 stars). 2 submissions from 2 submitters: Uncertain significance (1); Likely benign (1). Last evaluated 2026-08-01.

Conditions:
Congenital contractural arachnodactyly (CCA). Also called: Arthrogryposis, distal, type 9; BEALS SYNDROME; Beals-Hecht syndrome. Identifiers: Orphanet 115, MedGen C0220668, MONDO:0007363, OMIM 121050.

Allele frequency attached by ClinVar (database versions not stated): gnomAD exomes below 0.00001; ExAC 0.00002.
gnomAD v4.1: 2 of 1,613,974 alleles (0.00012%); highest among the groups gnomAD compares: African/African-American, 0.0027%; no homozygotes.

Submissions (2):

CeGaT Center for Human Genetics Tuebingen
Classification: Uncertain significance. Last evaluated: 2026-08-01. Review status: criteria provided, single submitter. Criteria: CeGaT Center For Human Genetics Tuebingen Variant Classification Criteria Version 2. Collection method: clinical testing. Allele origin: germline. Affected: yes. Observed: 1 variant allele.
Comment: FBN2: PM2, BP4

Labcorp Genetics (formerly Invitae), Labcorp
Classification: Likely benign for Congenital contractural arachnodactyly. Last evaluated: 2022-10-26. Review status: criteria provided, single submitter. Criteria: Invitae Variant Classification Sherloc (09022015). Collection method: clinical testing. Allele origin: germline.